The following is an entry in ClinVar:

NM_000535.5:c.954_955insALU

Gene: PMS2 (PMS1 homolog 2, mismatch repair system component; minus strand).
Variant type: Insertion.
Identifiers: ClinVar variation 4862131 (VCV004862131.1).

ClinVar aggregate classification (germline): Likely pathogenic (1 of 4 stars; one submission).

Conditions:
Hereditary cancer-predisposing syndrome. Also called: Neoplastic Syndromes, Hereditary; Tumor predisposition; Hereditary Cancer Syndrome; Hereditary neoplastic syndrome. Identifiers: Orphanet 140162, MedGen C0027672, MeSH D009386, MONDO:0015356.

Submission:

Ambry Genetics
Classification: Likely pathogenic for Hereditary cancer-predisposing syndrome. Last evaluated: 2026-06-09. Review status: criteria provided, single submitter. Criteria: Ambry Variant Classification Scheme 2023. Collection method: clinical testing. Allele origin: germline.
Comment: The c.954_955insAlu variant results from the insertion of an Alu element between nucleotides 954 and 955 in coding exon 9 of the PMS2 gene. Mobile element insertions contribute to pathogenicity by either disrupting the coding sequence or inducing aberrant splicing (Belancio VP et al. Semin. Cancer Biol. 2010 Aug;20:200-10; Deininger P et al. Genome Biol. 2011 Dec;12:236; van der Klift HM Hum Mutat. 2012 Jul;33(7):1051-5). Based on the majority of available evidence to date, this variant is likely to be pathogenic.